The following is an entry in ClinVar:

ClinVar aggregate classification (germline): Uncertain significance (1 of 4 stars; one submission).

gnomAD v4.1: 1 of 1,614,256 alleles (0.000062%); highest among the groups gnomAD compares: Admixed American, 0.0017%; no homozygotes.

Submission:

GeneDx
Classification: Uncertain significance. Last evaluated: 2024-10-02. Review status: criteria provided, single submitter. Criteria: GeneDx Variant Classification Process June 2021. Collection method: clinical testing. Allele origin: germline. Affected: yes.
Comment: Not observed at significant frequency in large population cohorts (gnomAD); In silico analysis indicates that this missense variant does not alter protein structure/function; Has not been previously published as pathogenic or benign to our knowledge

NM_133444.3(ZNF526):c.1967C>T (p.Ala656Val)

Gene: ZNF526 (zinc finger protein 526; plus strand). Cytogenetic location: 19q13.2.
Variant type: single nucleotide variant.
Coding change: c.1967C>T on transcript NM_133444.3 (MANE Select); coding-DNA position 1967, C replaced by T.
Protein change: p.Ala656Val; replaces alanine 656 with valine.
Molecular consequence: missense variant.
Genome position (GRCh38, 1-based): chr19:42,226,370, C>T. VCF-style: chr19-42226370-C-T. GRCh37 (hg19) VCF-style: chr19-42730522-C-T.
Other names: c.1967C>T, p.Ala656Val (NM_001314033.3); short protein forms A656V.
Identifiers: ClinVar variation 3776544 (VCV003776544.1).